The following is an entry in ClinVar:

NM_001278064.2(GRM1):c.1935A>G (p.Pro645=)

Gene: GRM1 (glutamate metabotropic receptor 1; plus strand). Cytogenetic location: 6q24.3.
Variant type: single nucleotide variant.
Coding change: c.1935A>G on transcript NM_001278064.2 (MANE Select); coding-DNA position 1935, A replaced by G.
Protein change: p.Pro645=; no amino-acid change (proline 645 retained).
Molecular consequence: synonymous variant.
Genome position (GRCh38, 1-based): chr6:146,398,974, A>G. VCF-style: chr6-146398974-A-G. GRCh37 (hg19) VCF-style: chr6-146720110-A-G.
Other names: c.1935A>G, p.Pro645= (NM_001278065.2, NM_001278066.1, NM_001278067.1).
Identifiers: ClinVar variation 4822763 (VCV004822763.4).

ClinVar aggregate classification (germline): Likely benign (1 of 4 stars; one submission).

Submission:

CeGaT Center for Human Genetics Tuebingen
Classification: Likely benign. Last evaluated: 2026-01-01. Review status: criteria provided, single submitter. Criteria: CeGaT Center For Human Genetics Tuebingen Variant Classification Criteria Version 2. Collection method: clinical testing. Allele origin: germline. Affected: yes. Observed: 1 variant allele.
Comment: GRM1: PM2:Supporting, BP4, BP7